The following is an entry in ClinVar:

NM_004999.4(MYO6):c.256del (p.Ile86fs)

Gene: MYO6 (myosin VI; plus strand). Cytogenetic location: 6q14.1.
Variant type: Deletion.
Coding change: c.256del on transcript NM_004999.4 (MANE Select); coding-DNA position 256, one base deleted (A; older notation c.256delA).
Protein change: p.Ile86fs; shifts the reading frame from isoleucine 86.
Molecular consequence: frameshift variant. On other transcripts: non-coding transcript variant (2).
Genome position (GRCh38, 1-based): chr6:75,828,608, A deleted; the last of 2 consecutive A bases (chr6:75,828,607-75,828,608); deleting either gives the same sequence. VCF-style (leftmost placement, unchanged base first): chr6-75828606-GA-G. GRCh37 (hg19) VCF-style: chr6-76538323-GA-G.
Other names: c.256del, p.Ile86fs (NM_001300899.2, NM_001368136.1, NM_001368137.1 and 5 more transcripts); short protein forms I86fs.
Identifiers: ClinVar variation 2707703 (VCV002707703.3), dbSNP rs2534951708, ClinGen allele CA2697553564.

ClinVar aggregate classification (germline): Pathogenic (1 of 4 stars; one submission).

Submission:

Labcorp Genetics (formerly Invitae), Labcorp
Classification: Pathogenic. Last evaluated: 2024-01-05. Review status: criteria provided, single submitter. Criteria: Invitae Variant Classification Sherloc (09022015). Collection method: clinical testing. Allele origin: germline.
Comment: This sequence change creates a premature translational stop signal (p.Ile86Phefs*9) in the MYO6 gene. It is expected to result in an absent or disrupted protein product. Loss-of-function variants in MYO6 are known to be pathogenic (PMID: 12687499, 18348273, 23767834, 25999546, 30582396). This variant is not present in population databases (gnomAD no frequency). This variant has not been reported in the literature in individuals affected with MYO6-related conditions. For these reasons, this variant has been classified as Pathogenic.

Literature cited by the submitters: PubMed 12687499; PubMed 18348273; PubMed 23767834; PubMed 25999546; PubMed 30582396.